The following is an entry in ClinVar:

ClinVar aggregate classification (germline): Uncertain significance (1 of 4 stars; one submission).

Conditions:
Jeune thoracic dystrophy. Also called: Jeune syndrome; Infantile thoracic dystrophy; Thoracic pelvic phalangeal dystrophy; Jeune's syndrome; Chondroectodermal dysplasia-like syndrome; Short-rib thoracic dysplasia. Identifiers: Orphanet 474, MedGen C0265275, MONDO:0018770.

Allele frequency attached by ClinVar (database versions not stated): ExAC 0.00001; gnomAD 0.00001.
gnomAD v4.1: 26 of 1,565,968 alleles (0.0017%); highest among the groups gnomAD compares: Non-Finnish European, 0.0022%; no homozygotes.

Submission:

Labcorp Genetics (formerly Invitae), Labcorp
Classification: Uncertain significance for Jeune thoracic dystrophy. Last evaluated: 2021-12-30. Review status: criteria provided, single submitter. Criteria: Invitae Variant Classification Sherloc (09022015). Collection method: clinical testing. Allele origin: germline.
Comment: This sequence change replaces glutamic acid, which is acidic and polar, with lysine, which is basic and polar, at codon 208 of the DYNC2H1 protein (p.Glu208Lys). The frequency data for this variant in the population databases is considered unreliable, as metrics indicate poor data quality at this position in the gnomAD database. This variant has not been reported in the literature in individuals affected with DYNC2H1-related conditions. Algorithms developed to predict the effect of missense changes on protein structure and function (SIFT, PolyPhen-2, Align-GVGD) all suggest that this variant is likely to be tolerated. Algorithms developed to predict the effect of sequence changes on RNA splicing suggest that this variant may disrupt the consensus splice site. In summary, the available evidence is currently insufficient to determine the role of this variant in disease. Therefore, it has been classified as a Variant of Uncertain Significance.

NM_001377.3(DYNC2H1):c.622G>A (p.Glu208Lys)

Gene: DYNC2H1 (dynein cytoplasmic 2 heavy chain 1; plus strand). Cytogenetic location: 11q22.3.
Variant type: single nucleotide variant.
Coding change: c.622G>A on transcript NM_001377.3 (MANE Select); coding-DNA position 622, G replaced by A.
Protein change: p.Glu208Lys; replaces glutamic acid 208 with lysine.
Molecular consequence: missense variant.
Genome position (GRCh38, 1-based): chr11:103,116,570, G>A. VCF-style: chr11-103116570-G-A. GRCh37 (hg19) VCF-style: chr11-102987299-G-A.
Other names: c.622G>A, p.Glu208Lys (NM_001080463.2); short protein forms E208K.
Identifiers: ClinVar variation 1979505 (VCV001979505.1), dbSNP rs770269329, ClinGen allele CA6252553.